The following is an entry in ClinVar:

ClinVar aggregate classification (germline): Uncertain significance (1 of 4 stars; one submission).

Conditions:
Ullrich congenital muscular dystrophy 2 (UCMD2). Identifiers: Orphanet 75840, MedGen C4225314, MONDO:0014654, OMIM 616470.
Bethlem myopathy 2 (BTHLM2). Identifiers: Orphanet 536516, Orphanet 610, MedGen C4225313, MONDO:0034022, OMIM 616471.

Submission:

Labcorp Genetics (formerly Invitae), Labcorp
Classification: Uncertain significance for Bethlem myopathy 2; Ullrich congenital muscular dystrophy 2. Last evaluated: 2023-08-23. Review status: criteria provided, single submitter. Criteria: Invitae Variant Classification Sherloc (09022015). Collection method: clinical testing. Allele origin: germline.
Comment: This variant is not present in population databases (gnomAD no frequency). This sequence change replaces alanine, which is neutral and non-polar, with serine, which is neutral and polar, at codon 2755 of the COL12A1 protein (p.Ala2755Ser). This variant has not been reported in the literature in individuals affected with COL12A1-related conditions. In summary, the available evidence is currently insufficient to determine the role of this variant in disease. Therefore, it has been classified as a Variant of Uncertain Significance. An algorithm developed to predict the effect of missense changes on protein structure and function (PolyPhen-2) suggests that this variant is likely to be tolerated.

NM_004370.6(COL12A1):c.8263G>T (p.Ala2755Ser)

Gene: COL12A1 (collagen type XII alpha 1 chain; minus strand). Cytogenetic location: 6q13.
Variant type: single nucleotide variant.
Coding change: c.8263G>T on transcript NM_004370.6 (MANE Select); coding-DNA position 8263, G replaced by T.
Protein change: p.Ala2755Ser; replaces alanine 2755 with serine.
Molecular consequence: missense variant.
Genome position (GRCh38, 1-based): chr6:75,105,208, C>A on the plus strand (G>T on the coding strand, the complement: COL12A1 is on the minus strand). VCF-style: chr6-75105208-C-A. GRCh37 (hg19) VCF-style: chr6-75814924-C-A.
Other names: c.8263G>T, p.Ala2755Ser (NM_001424113.1); c.8242G>T, p.Ala2748Ser (NM_001424114.1); c.7990G>T, p.Ala2664Ser (NM_001424115.1); c.4771G>T, p.Ala1591Ser (NM_001424116.1, NM_080645.3); short protein forms A2664S, A2748S, A2755S, A1591S.
Identifiers: ClinVar variation 2951219 (VCV002951219.3), dbSNP rs1448139543, ClinGen allele CA364740300.